The following is an entry in ClinVar:

ClinVar aggregate classification (germline): Uncertain significance (1 of 4 stars; one submission).

Conditions:
TET2-related disorder. Also called: TET2-related condition.

gnomAD v4.1: 7 of 1,614,010 alleles (0.00043%); highest among the groups gnomAD compares: Non-Finnish European, 0.00059%; no homozygotes.

Submission:

PreventionGenetics, part of Exact Sciences
Classification: Uncertain significance for TET2-related condition. Last evaluated: 2026-05-09. Review status: criteria provided, single submitter. Criteria: ACMG Guidelines, 2015. Collection method: clinical testing. Allele origin: germline.
Comment: The TET2 c.3361G>T variant is predicted to result in the amino acid substitution p.Asp1121Tyr. To our knowledge, this variant has not been reported in the literature or in a large population database (gnomAD), indicating this variant is rare. At this time, the clinical significance of this variant is uncertain due to the absence of conclusive functional and genetic evidence.

NM_001127208.3(TET2):c.3361G>T (p.Asp1121Tyr)

Genes: TET2 (tet methylcytosine dioxygenase 2; plus strand), TET2-AS1 (TET2 antisense RNA 1; minus strand). Cytogenetic location: 4q24.
Variant type: single nucleotide variant.
Coding change: c.3361G>T on transcript NM_001127208.3 (MANE Select); coding-DNA position 3361, G replaced by T.
Protein change: p.Asp1121Tyr; replaces aspartic acid 1121 with tyrosine.
Molecular consequence: missense variant.
Genome position (GRCh38, 1-based): chr4:105,237,303, G>T. VCF-style: chr4-105237303-G-T. GRCh37 (hg19) VCF-style: chr4-106158460-G-T.
Other names: c.3361G>T, p.Asp1121Tyr (NM_017628.4); short protein forms D1121Y.
Identifiers: ClinVar variation 4985112 (VCV004985112.1).
Genomic context (GRCh38, chr4:105,237,303, plus strand): 5'-CTCAATAATTTTATAGAGTCACCTTCCAAATTACTAGATACTCCTATAAAAAATTTATTG[G>T]ATACACCTGTCAAGACTCAATATGATTTCCCATCTTGCAGATGTGTAGGTAAGTGCCAGA-3'
Protein context (NP_001120680.1, residues 1111-1131): LLDTPIKNLL[Asp1121Tyr]TPVKTQYDFP